The following is an entry in ClinVar:

ClinVar aggregate classification (germline): Uncertain significance (1 of 4 stars; one submission).

Conditions:
Primary ciliary dyskinesia. Also called: Ciliary dyskinesia. Identifiers: Orphanet 244, MedGen C0008780, MONDO:0016575, HP:0012265.

Allele frequency attached by ClinVar (database versions not stated): ExAC 0.00002; gnomAD exomes 0.00003; gnomAD 0.00004; TOPMed 0.00005; ESP Exome Variant Server 0.00008.
gnomAD v4.1: 54 of 1,611,312 alleles (0.0034%); highest among the groups gnomAD compares: African/African-American, 0.0095%; no homozygotes.

Submission:

Labcorp Genetics (formerly Invitae), Labcorp
Classification: Uncertain significance for Primary ciliary dyskinesia. Last evaluated: 2022-06-23. Review status: criteria provided, single submitter. Criteria: Invitae Variant Classification Sherloc (09022015). Collection method: clinical testing. Allele origin: germline.
Comment: In summary, the available evidence is currently insufficient to determine the role of this variant in disease. Therefore, it has been classified as a Variant of Uncertain Significance. Algorithms developed to predict the effect of missense changes on protein structure and function output the following: SIFT: "Deleterious"; PolyPhen-2: "Possibly Damaging"; Align-GVGD: "Class C0". The tryptophan amino acid residue is found in multiple mammalian species, which suggests that this missense change does not adversely affect protein function. This variant has not been reported in the literature in individuals affected with RSPH1-related conditions. This variant is present in population databases (rs373429437, gnomAD 0.008%). This sequence change replaces arginine, which is basic and polar, with tryptophan, which is neutral and slightly polar, at codon 279 of the RSPH1 protein (p.Arg279Trp).

NM_080860.4(RSPH1):c.835C>T (p.Arg279Trp)

Gene: RSPH1 (radial spoke head component 1; minus strand). Cytogenetic location: 21q22.3.
Variant type: single nucleotide variant.
Coding change: c.835C>T on transcript NM_080860.4 (MANE Select); coding-DNA position 835, C replaced by T.
Protein change: p.Arg279Trp; replaces arginine 279 with tryptophan.
Molecular consequence: missense variant.
Genome position (GRCh38, 1-based): chr21:42,475,940, G>A on the plus strand (C>T on the coding strand, the complement: RSPH1 is on the minus strand). VCF-style: chr21-42475940-G-A. GRCh37 (hg19) VCF-style: chr21-43896050-G-A.
Other names: c.721C>T, p.Arg241Trp (NM_001286506.2); short protein forms R241W, R279W.
Identifiers: ClinVar variation 1477462 (VCV001477462.6), dbSNP rs373429437, ClinGen allele CA10043734.